The following is an entry in ClinVar:

NM_032737.4(LMNB2):c.1203-7C>G

Gene: LMNB2 (lamin B2; minus strand). Cytogenetic location: 19p13.3.
Variant type: single nucleotide variant.
Coding change: c.1203-7C>G on transcript NM_032737.4 (MANE Select); 7 bases into the intron before coding-DNA position 1203, C replaced by G.
Molecular consequence: intron variant.
Genome position (GRCh38, 1-based): chr19:2,434,112, G>C on the plus strand (C>G on the coding strand, the complement: LMNB2 is on the minus strand). VCF-style: chr19-2434112-G-C. GRCh37 (hg19) VCF-style: chr19-2434110-G-C.
Identifiers: ClinVar variation 3036379 (VCV003036379.2), dbSNP rs1389538478, ClinGen allele CA631306846.

ClinVar aggregate classification (germline): Likely benign (0 of 4 stars; one submission).

Conditions:
LMNB2-related disorder. Also called: LMNB2-related condition.

Allele frequency attached by ClinVar (database versions not stated): gnomAD exomes 0.00001.
gnomAD v4.1: 11 of 1,577,554 alleles (0.0007%); highest among the groups gnomAD compares: Non-Finnish European, 0.00094%; no homozygotes.

Submission:

PreventionGenetics, part of Exact Sciences
Classification: Likely benign for LMNB2-related condition. Last evaluated: 2020-09-02. Review status: no assertion criteria provided. Collection method: clinical testing. Allele origin: germline.
Comment: This variant is classified as likely benign based on ACMG/AMP sequence variant interpretation guidelines (Richards et al. 2015 PMID: 25741868, with internal and published modifications).